The following is an entry in ClinVar:

ClinVar aggregate classification (germline): Likely pathogenic. Review status: criteria provided, multiple submitters, no conflicts (2 of 4 stars). 2 submissions from 2 submitters: Likely pathogenic (2). Last evaluated 2026-04-24.

Conditions:
POMGNT1-related disorder. Also called: POMGNT1-related condition; POMGNT1-related disorders. Identifiers: MedGen CN239299.
Muscular dystrophy-dystroglycanopathy (congenital with brain and eye anomalies), type A3. Also called: Congenital muscular dystrophy-dystroglycanopathy with brain and eye anomalies, type A3; Muscular dystrophy-dystroglycanopathy (congenital with brain and eye anomalies), type A, 3; WALKER-WARBURG SYNDROME OR MUSCLE-EYE-BRAIN DISEASE, POMGNT1-RELATED. Identifiers: MedGen C3151519, MONDO:0009667, OMIM 253280.

Submissions (2):

Greenwood Genetic Center Diagnostic Laboratories, Greenwood Genetic Center
Classification: Likely pathogenic for POMGNT1-related disorder. Last evaluated: 2026-04-24. Review status: criteria provided, single submitter. Criteria: ACMG Guidelines, 2015. Collection method: clinical testing. Allele origin: germline. Affected: yes.
Comment: PVS1, PM2

Baylor Genetics
Classification: Likely pathogenic for Muscular dystrophy-dystroglycanopathy (congenital with brain and eye anomalies), type A3. Last evaluated: 2023-11-29. Review status: criteria provided, single submitter. Criteria: ACMG Guidelines, 2015. Collection method: clinical testing. Allele origin: unknown.

NM_017739.4(POMGNT1):c.660del (p.Phe221fs)

Genes: POMGNT1 (protein O-linked mannose N-acetylglucosaminyltransferase 1 (beta 1,2-); minus strand), TSPAN1 (tetraspanin 1; plus strand). Cytogenetic location: 1p34.1.
Variant type: Deletion.
Coding change: c.660del on transcript NM_017739.4 (MANE Select); coding-DNA position 660, one base deleted (C; older notation c.660delC).
Protein change: p.Phe221fs; shifts the reading frame from phenylalanine 221.
Molecular consequence: frameshift variant.
Genome position (GRCh38, 1-based): chr1:46,194,644, G deleted on the plus strand (C on the coding strand, the reverse complement: POMGNT1 is on the minus strand). VCF-style (leftmost placement, unchanged base first): chr1-46194643-AG-A. GRCh37 (hg19) VCF-style: chr1-46660315-AG-A.
Other names: c.660del, p.Phe221fs (NM_001243766.2, NM_001410783.1); c.594delC, p.Phe199Serfs (NM_001290129.3); c.231del, p.Phe78fs (NM_001290130.2); short protein forms F199fs, F221fs, F78fs.
Identifiers: ClinVar variation 3240182 (VCV003240182.2), dbSNP rs2525430106.
Genomic context (GRCh38, chr1:46,194,643, plus strand): 5'-TCAGCAGGACTGGGTCCCCCCAGGAAGAGAGGGCAGGTGATTTAGAATGTTTCTCCCCGA[AG>A]ACAGGACCTGGCAGGAGGCAGGAATGAGGGCCATGGGGGCCCAGACACCAGTTTGGGGGC-3'